The following is an entry in ClinVar:

NM_000193.4(SHH):c.994G>A (p.Val332Met)

Gene: SHH (sonic hedgehog signaling molecule; minus strand). Cytogenetic location: 7q36.3.
Variant type: single nucleotide variant.
Coding change: c.994G>A on transcript NM_000193.4 (MANE Select); coding-DNA position 994, G replaced by A.
Protein change: p.Val332Met; replaces valine 332 with methionine.
Molecular consequence: missense variant. On other transcripts: intron variant (1).
Genome position (GRCh38, 1-based): chr7:155,803,295, C>T on the plus strand (G>A on the coding strand, the complement: SHH is on the minus strand). VCF-style: chr7-155803295-C-T. GRCh37 (hg19) VCF-style: chr7-155595989-C-T.
Other names: c.301+3001G>A (NM_001310462.2); short protein forms V332M.
Identifiers: ClinVar variation 1699834 (VCV001699834.3), dbSNP rs1223500145, ClinGen allele CA370145475.

ClinVar aggregate classification (germline): Likely pathogenic (1 of 4 stars; one submission).

Submission:

GeneDx
Classification: Likely pathogenic. Last evaluated: 2022-09-28. Review status: criteria provided, single submitter. Criteria: GeneDx Variant Classification Process June 2021. Collection method: clinical testing. Allele origin: germline.
Comment: Not observed at significant frequency in large population cohorts (gnomAD); In silico analysis supports that this missense variant does not alter protein structure/function; Has not been previously published as pathogenic or benign to our knowledge; This variant is associated with the following publications: (PMID: 15103725, 15221788)